The following is an entry in ClinVar:

ClinVar aggregate classification (germline): Uncertain significance. Review status: criteria provided, multiple submitters, no conflicts (2 of 4 stars). 2 submissions from 2 submitters: Uncertain significance (2). Last evaluated 2024-12-04.

Conditions:
Inborn genetic diseases. Identifiers: MedGen C0950123, MeSH D030342.
Microcephaly 18, primary, autosomal dominant (MCPH18). Identifiers: MedGen C4479608, MONDO:0054593, OMIM 617520.

gnomAD v4.1: 7 of 1,614,008 alleles (0.00043%); highest among the groups gnomAD compares: Middle Eastern, 0.016%; no homozygotes.

Submissions (2):

Ambry Genetics
Classification: Uncertain significance for Inborn genetic diseases. Last evaluated: 2024-12-04. Review status: criteria provided, single submitter. Criteria: Ambry Variant Classification Scheme 2023. Collection method: clinical testing. Allele origin: germline.

Victorian Clinical Genetics Services, Murdoch Childrens Research Institute
Classification: Uncertain significance for Microcephaly 18, primary, autosomal dominant. Last evaluated: 2020-05-26. Review status: criteria provided, single submitter. Criteria: ACMG Guidelines, 2015. Collection method: clinical testing. Allele origin: germline. Inheritance: Autosomal dominant inheritance.
Comment: Based on the classification scheme VCGS_Germline_v1.1.1, this variant is classified as VUS – 3C. Following criteria are met: 0102 - Loss-of-function is a known mechanism of disease for this gene. (N) 0107 - This gene is known to be associated with autosomal dominant disease. (N) 0200 - Variant is predicted to result in a missense amino acid change from methionine to leucine (exon 46). (N) 0251 - Variant is heterozygous. (N) 0302 - Variant is present in gnomAD <0.001 for a dominant condition (1 heterozygote, 0 homozygotes). (P) 0309 - An alternative amino acid change at the same position has been observed in gnomAD (23 heterozygote, 0 homozygotes). (N) 0503 - Missense variant consistently predicted to be tolerated or not conserved in mammals with a minor amino acid change. (B) 0504 - Same amino acid change has been observed in mammals. (B) 0604 - Variant is not located in an established domain, motif, hotspot or informative constraint region. (N) 0705 - No comparable variants have previous evidence for pathogenicity. (N) 0807 - Variant has not previously been reported in a clinical context. (N) 0905 - No segregation evidence has been identified for this variant. (N) 1007 - No published functional evidence has been identified for this variant. (N) 1208 - Inheritance information for this variant is not currently available. (N) Legend: (P) - Pathogenic, (N) - Neutral, (B) - Benign

NM_014991.6(WDFY3):c.7324A>C (p.Met2442Leu)

Gene: WDFY3 (WD repeat and FYVE domain containing 3; minus strand). Cytogenetic location: 4q21.23.
Variant type: single nucleotide variant.
Coding change: c.7324A>C on transcript NM_014991.6 (MANE Select); coding-DNA position 7324, A replaced by C.
Protein change: p.Met2442Leu; replaces methionine 2442 with leucine.
Molecular consequence: missense variant.
Genome position (GRCh38, 1-based): chr4:84,724,543, T>G on the plus strand (A>C on the coding strand, the complement: WDFY3 is on the minus strand). VCF-style: chr4-84724543-T-G. GRCh37 (hg19) VCF-style: chr4-85645696-T-G.
Other names: short protein forms M2442L.
Identifiers: ClinVar variation 1805818 (VCV001805818.2), dbSNP rs149554071, ClinGen allele CA2992631.
Genomic context (GRCh38, chr4:84,724,543, plus strand): 5'-CTTCTGAACTCTCCACAATGGCGTCTTGGACAATGGCGGGATTGCCAGAGGCCAGTCGCA[T>G]GTAGTACTCTTTACTGTCATAACTTACGGCTCTTCTATATCGAGCAGGTTTCTAAGAAAT-3'
Protein context (NP_055806.2, residues 2432-2452): AVSYDSKEYY[Met2442Leu]RLASGNPAIV